The following is an entry in ClinVar:

NM_000215.4(JAK3):c.1878G>C (p.Gln626His)

Gene: JAK3 (Janus kinase 3; minus strand). Cytogenetic location: 19p13.11.
Variant type: single nucleotide variant.
Coding change: c.1878G>C on transcript NM_000215.4 (MANE Select); coding-DNA position 1878, G replaced by C.
Protein change: p.Gln626His; replaces glutamine 626 with histidine.
Molecular consequence: missense variant.
Genome position (GRCh38, 1-based): chr19:17,835,960, C>G on the plus strand (G>C on the coding strand, the complement: JAK3 is on the minus strand). VCF-style: chr19-17835960-C-G. GRCh37 (hg19) VCF-style: chr19-17946769-C-G.
Other names: short protein forms Q626H.
Identifiers: ClinVar variation 1370965 (VCV001370965.8), dbSNP rs2147684176, ClinGen allele CA404768857.
Genomic context (GRCh38, chr19:17,835,960, plus strand): 5'-TGGAGCAGGCAGAGGAGCACTCACCAGATAGTTGAGGGCGTAGGCCAGCTGTTTGACCAC[C>G]TGCAGCTTCCAGCTGGCTGGCACCAGGTGGCCACGTTTTCGCAGATACATGTCTATGGCC-3'
Protein context (NP_000206.2, residues 616-636): GHLVPASWKL[Gln626His]VVKQLAYALN

ClinVar aggregate classification (germline): Uncertain significance (1 of 4 stars; one submission).

Conditions:
T-B+ severe combined immunodeficiency due to JAK3 deficiency. Also called: SCID, autosomal recessive, T-negative/B-positive type; SCID, T CELL-NEGATIVE, B CELL-POSITIVE, NK CELL-NEGATIVE. Identifiers: Orphanet 35078, MedGen C1833275, MONDO:0010938, OMIM 600802.

Submission:

Labcorp Genetics (formerly Invitae), Labcorp
Classification: Uncertain significance for T-B+ severe combined immunodeficiency due to JAK3 deficiency. Last evaluated: 2021-02-10. Review status: criteria provided, single submitter. Criteria: Invitae Variant Classification Sherloc (09022015). Collection method: clinical testing. Allele origin: germline.
Comment: This sequence change replaces glutamine with histidine at codon 626 of the JAK3 protein (p.Gln626His). The glutamine residue is moderately conserved and there is a small physicochemical difference between glutamine and histidine. This variant is not present in population databases (ExAC no frequency). This variant has not been reported in the literature in individuals with JAK3-related conditions. Algorithms developed to predict the effect of missense changes on protein structure and function are either unavailable or do not agree on the potential impact of this missense change (SIFT: "Deleterious"; PolyPhen-2: "Probably Damaging"; Align-GVGD: "Class C0"). In summary, the available evidence is currently insufficient to determine the role of this variant in disease. Therefore, it has been classified as a Variant of Uncertain Significance.